The following is an entry in ClinVar:

ClinVar aggregate classification (germline): Benign (1 of 4 stars; one submission).

Allele frequency attached by ClinVar (database versions not stated): 1000 Genomes Project 0.62260; gnomAD 0.62375 and 0.63402; 1000 Genomes Project 30x 0.62914; TOPMed 0.64124.
gnomAD v4.1: 94,792 of 152,210 alleles (62%); highest among the groups gnomAD compares: African/African-American, 82%; 30,867 homozygotes.

Submission:

GeneDx
Classification: Benign. Last evaluated: 2018-06-14. Review status: criteria provided, single submitter. Criteria: GeneDx Variant Classification (06012015). Collection method: clinical testing. Allele origin: germline. Affected: yes.
Comment: This variant is considered likely benign or benign based on one or more of the following criteria: it is a conservative change, it occurs at a poorly conserved position in the protein, it is predicted to be benign by multiple in silico algorithms, and/or has population frequency not consistent with disease.

NM_212552.3(BOLA3):c.258+248T>A

Gene: BOLA3 (bolA family member 3; minus strand). Cytogenetic location: 2p13.1.
Variant type: single nucleotide variant.
Coding change: c.258+248T>A on transcript NM_212552.3 (MANE Select); 248 bases into the intron after coding-DNA position 258, T replaced by A.
Molecular consequence: intron variant.
Genome position (GRCh38, 1-based): chr2:74,142,024, A>T on the plus strand (T>A on the coding strand, the complement: BOLA3 is on the minus strand). VCF-style: chr2-74142024-A-T. GRCh37 (hg19) VCF-style: chr2-74369151-A-T.
Other names: c.169+3165T>A (NM_001035505.2).
Identifiers: ClinVar variation 683414 (VCV000683414.1), dbSNP rs702465, ClinGen allele CA11252286.